The following is an entry in ClinVar:

NM_005068.3(SIM1):c.1770C>G (p.Asp590Glu)

Gene: SIM1 (SIM bHLH transcription factor 1; minus strand). Cytogenetic location: 6q16.3.
Variant type: single nucleotide variant.
Coding change: c.1770C>G on transcript NM_005068.3 (MANE Select); coding-DNA position 1770, C replaced by G.
Protein change: p.Asp590Glu; replaces aspartic acid 590 with glutamic acid.
Molecular consequence: missense variant.
Genome position (GRCh38, 1-based): chr6:100,390,892, G>C on the plus strand (C>G on the coding strand, the complement: SIM1 is on the minus strand). VCF-style: chr6-100390892-G-C. GRCh37 (hg19) VCF-style: chr6-100838768-G-C.
Other names: c.1770C>G, p.Asp590Glu (NM_001374769.1); short protein forms D590E.
Identifiers: ClinVar variation 3350930 (VCV003350930.2).

ClinVar aggregate classification (germline): Uncertain significance (1 of 4 stars; one submission).

Conditions:
SIM1-related disorder. Also called: SIM1-related disorders; SIM1-related condition.

gnomAD v4.1: 12 of 1,614,046 alleles (0.00074%); highest among the groups gnomAD compares: Non-Finnish European, 0.00093%; no homozygotes.

Submission:

PreventionGenetics, part of Exact Sciences
Classification: Uncertain significance for SIM1-related condition. Last evaluated: 2025-08-03. Review status: criteria provided, single submitter. Criteria: ACMG Guidelines, 2015. Collection method: clinical testing. Allele origin: germline.
Comment: The SIM1 c.1770C>G variant is predicted to result in the amino acid substitution p.Asp590Glu. This variant has been reported in a cohort of patients with obesity; however, no functional difference in protein activity was observed (Zegers et al. 2013. PubMed ID: 24097297). This variant is reported in 0.00088% of alleles in individuals of European (Non-Finnish) descent in gnomAD. At this time, the clinical significance of this variant is uncertain due to the absence of conclusive functional and genetic evidence.